The following is an entry in ClinVar:

ClinVar aggregate classification (germline): Conflicting classifications of pathogenicity. Review status: criteria provided, conflicting classifications (1 of 4 stars). 6 submissions from 6 submitters: Uncertain significance (1); Benign (1); Likely benign (4). Last evaluated 2025-10-06.

Conditions:
Long QT syndrome (LQTS). Identifiers: MedGen C0023976, MeSH D008133, MONDO:0002442. Disease mechanism: loss of function. Inheritance: Various modes of inheritance.
Cardiovascular phenotype. Identifiers: MedGen CN230736.
Cardiomyopathy (CMYO). Also called: Cardiomyopathies. Identifiers: Orphanet 167848, MedGen C0878544, MONDO:0004994, HP:0001638. Inheritance: Various modes of inheritance.

Allele frequency attached by ClinVar (database versions not stated): gnomAD 0.00002 and 0.00003; ESP Exome Variant Server 0.00008; TOPMed 0.00009; gnomAD exomes 0.00018; ExAC 0.00023.
gnomAD v4.1: 62 of 1,612,618 alleles (0.0038%); highest among the groups gnomAD compares: Admixed American, 0.072%; no homozygotes.

Submissions (6):

Labcorp Genetics (formerly Invitae), Labcorp
Classification: Likely benign for Long QT syndrome. Last evaluated: 2025-10-06. Review status: criteria provided, single submitter. Criteria: Invitae Variant Classification Sherloc (09022015). Collection method: clinical testing. Allele origin: germline.

Blueprint Genetics
Classification: Likely benign. Last evaluated: 2024-08-02. Review status: criteria provided, single submitter. Criteria: ACMG Guidelines, 2015. Collection method: clinical testing. Allele origin: germline.

Ambry Genetics
Classification: Benign for Cardiovascular phenotype. Last evaluated: 2023-12-05. Review status: criteria provided, single submitter. Criteria: Ambry Variant Classification Scheme 2023. Collection method: clinical testing. Allele origin: germline.

Women's Health and Genetics/Laboratory Corporation of America, LabCorp
Classification: Likely benign. Last evaluated: 2021-10-23. Review status: criteria provided, single submitter. Criteria: LabCorp Variant Classification Summary - May 2015. Collection method: clinical testing. Allele origin: germline.

Center for Advanced Laboratory Medicine, UC San Diego Health, University of California San Diego
Classification: Likely benign for Cardiomyopathy. Last evaluated: 2018-06-26. Review status: criteria provided, single submitter. Criteria: ACMG Guidelines, 2015. Collection method: clinical testing. Allele origin: germline. Affected: yes. Observed: 1 variant allele.

ARUP Laboratories, Molecular Genetics and Genomics, ARUP Laboratories
Classification: Uncertain significance. Last evaluated: 2017-05-26. Review status: criteria provided, single submitter. Criteria: ARUP Molecular Germline Variant Investigation Process. Collection method: clinical testing. Allele origin: germline.
Comment: The p.Arg2016Cys variant (rs376950905) has not been reported in the medical literature nor has it been previously identified in our laboratory; however, it is listed in the ClinVar database as likely benign (Variation ID: 417028). It is listed in the Genome Aggregation Database (gnomAD) browser with a frequency in Latino populations of 0.092% (identified in 31 out of 33,520 chromosomes). The arginine at codon 2016 is highly conserved considering 11 species up to Cow (Alamut software v2.9), although several species of bat and marsupial mammals have a cysteine at this position suggesting this change is evolutionary tolerated. Likewise, computational analyses suggest this variant does not have a significant effect on AKAP9 protein structure/function (SIFT: tolerated, PolyPhen2: benign, and Mutation Taster: polymorphism). However, based on the available information, the clinical significance of the p.Arg2016Cys variant cannot be determined with certainty.

NM_005751.5(AKAP9):c.6046C>T (p.Arg2016Cys)

Gene: AKAP9 (A-kinase anchoring protein 9; plus strand). Cytogenetic location: 7q21.2.
Variant type: single nucleotide variant.
Coding change: c.6046C>T on transcript NM_005751.5 (MANE Select); coding-DNA position 6046, C replaced by T.
Protein change: p.Arg2016Cys; replaces arginine 2016 with cysteine.
Molecular consequence: missense variant.
Genome position (GRCh38, 1-based): chr7:92,065,299, C>T. VCF-style: chr7-92065299-C-T. GRCh37 (hg19) VCF-style: chr7-91694613-C-T.
Other names: c.691C>T, p.Arg231Cys (NM_001379277.1); c.6046C>T, p.Arg2016Cys (NM_147185.3); short protein forms R2016C, R231C.
Identifiers: ClinVar variation 417028 (VCV000417028.23), dbSNP rs376950905, ClinGen allele CA4336991.